The following is an entry in ClinVar:

ClinVar aggregate classification (germline): Uncertain significance. Review status: criteria provided, multiple submitters, no conflicts (2 of 4 stars). 4 submissions from 4 submitters: Uncertain significance (4). Last evaluated 2024-12-20.

Conditions:
Gray platelet syndrome (GPS). Also called: BLEEDING DISORDER, PLATELET-TYPE, 4. Identifiers: Orphanet 721, MedGen C0272302, MONDO:0007686, OMIM 139090.
Inborn genetic diseases. Identifiers: MedGen C0950123, MeSH D030342.

Allele frequency attached by ClinVar (database versions not stated): TOPMed 0.00003; ExAC 0.00029.

Submissions (4):

Ambry Genetics
Classification: Uncertain significance for Inborn genetic diseases. Last evaluated: 2024-12-20. Review status: criteria provided, single submitter. Criteria: Ambry Variant Classification Scheme 2023. Collection method: clinical testing. Allele origin: germline.

Blueprint Genetics
Classification: Uncertain significance. Last evaluated: 2024-09-18. Review status: criteria provided, single submitter. Criteria: ACMG Guidelines, 2015. Collection method: clinical testing. Allele origin: germline.

Mayo Clinic Laboratories, Mayo Clinic
Classification: Uncertain significance. Last evaluated: 2023-10-25. Review status: criteria provided, single submitter. Criteria: ACMG Guidelines, 2015. Collection method: clinical testing. Allele origin: germline. Observed: 1 variant allele.
Comment: BP4, PM1_supporting

Illumina Laboratory Services, Illumina
Classification: Uncertain significance for Gray platelet syndrome. Last evaluated: 2018-01-13. Review status: criteria provided, single submitter. Criteria: ICSL Variant Classification Criteria 13 December 2019. Collection method: clinical testing. Allele origin: germline.

NM_015175.3(NBEAL2):c.1271G>A (p.Arg424Gln)

Gene: NBEAL2 (neurobeachin like 2; plus strand). Cytogenetic location: 3p21.31.
Variant type: single nucleotide variant.
Coding change: c.1271G>A on transcript NM_015175.3 (MANE Select); coding-DNA position 1271, G replaced by A.
Protein change: p.Arg424Gln; replaces arginine 424 with glutamine.
Molecular consequence: missense variant.
Genome position (GRCh38, 1-based): chr3:46,994,528, G>A. VCF-style: chr3-46994528-G-A. GRCh37 (hg19) VCF-style: chr3-47036018-G-A.
Other names: p.Arg424Gln; c.1271G>A (NM_015175.1); c.1169G>A, p.Arg390Gln (NM_001365116.2); short protein forms R424Q, R390Q.
Identifiers: ClinVar variation 345624 (VCV000345624.8), dbSNP rs768145657, ClinGen allele CA2360348.
Genomic context (GRCh38, chr3:46,994,528, plus strand): 5'-AGCGCATCGGCTACCCTCACCTGCAGGAGGTTCTGCAGAGCCATGGTCCCCCCACCCATC[G>A]GCTGTTGCAAGAGCTGCTCAACATGGTGAGGGAAGGGGCTTGGGACCAGGGTCCCAAAGG-3'
Protein context (NP_055990.1, residues 414-434): VLQSHGPPTH[Arg424Gln]LLQELLNMAV